The following is an entry in ClinVar:

ClinVar aggregate classification (germline): Pathogenic (1 of 4 stars; one submission).

Conditions:
Inborn genetic diseases. Identifiers: MedGen C0950123, MeSH D030342.

Submission:

Ambry Genetics
Classification: Pathogenic for Inborn genetic diseases. Last evaluated: 2025-02-04. Review status: criteria provided, single submitter. Criteria: Ambry Variant Classification Scheme 2023. Collection method: clinical testing. Allele origin: germline.
Comment: The c.504_505delCA pathogenic mutation, located in coding exon 6 of the DDX41 gene, results from a deletion of two nucleotides at nucleotide positions 504 to 505, causing a translational frameshift with a predicted alternate stop codon (p.I169Pfs*51). This variant is considered to be rare based on population cohorts in the Genome Aggregation Database (gnomAD). This alteration is expected to result in loss of function by premature protein truncation or nonsense-mediated mRNA decay. As such, this alteration is interpreted as a disease-causing mutation.

NM_016222.4(DDX41):c.504_505del (p.Ile169fs)

Gene: DDX41 (DEAD-box helicase 41; minus strand). Cytogenetic location: 5q35.3.
Variant type: Microsatellite.
Coding change: c.504_505del on transcript NM_016222.4 (MANE Select); coding-DNA positions 504 to 505, 2 bases deleted (CA; older notation c.504_505delCA).
Protein change: p.Ile169fs; shifts the reading frame from isoleucine 169.
Molecular consequence: frameshift variant.
Genome position (GRCh38, 1-based): chr5:177,515,751-177,515,752, TG deleted on the plus strand (CA on the coding strand, the reverse complement: DDX41 is on the minus strand); deleting any 2 consecutive bases within chr5:177,515,751-177,515,754 gives the same sequence; the c. name uses the placement nearest the transcript's 3' end. VCF-style (leftmost placement, unchanged base first): chr5-177515750-ATG-A. GRCh37 (hg19) VCF-style: chr5-176942751-ATG-A.
Other names: c.126_127del, p.Ile43fs (NM_001321732.2, NM_001321830.2); short protein forms I169fs, I43fs.
Identifiers: ClinVar variation 3838998 (VCV003838998.1).